The following is an entry in ClinVar:

ClinVar aggregate classification (germline): Likely benign (1 of 4 stars; one submission).

gnomAD v4.1: 75 of 1,550,194 alleles (0.0048%); highest among the groups gnomAD compares: South Asian, 0.0059%; no homozygotes.

Submission:

CeGaT Center for Human Genetics Tuebingen
Classification: Likely benign. Last evaluated: 2025-03-01. Review status: criteria provided, single submitter. Criteria: CeGaT Center For Human Genetics Tuebingen Variant Classification Criteria Version 2. Collection method: clinical testing. Allele origin: germline. Affected: yes. Observed: 1 variant allele.
Comment: SHANK2: BP4

NM_012309.5(SHANK2):c.167C>T (p.Thr56Met)

Gene: SHANK2 (SH3 and multiple ankyrin repeat domains 2; minus strand). Cytogenetic location: 11q13.4.
Variant type: single nucleotide variant.
Coding change: c.167C>T on transcript NM_012309.5 (MANE Select); coding-DNA position 167, C replaced by T.
Protein change: p.Thr56Met; replaces threonine 56 with methionine.
Molecular consequence: missense variant.
Genome position (GRCh38, 1-based): chr11:71,147,160, G>A on the plus strand (C>T on the coding strand, the complement: SHANK2 is on the minus strand). VCF-style: chr11-71147160-G-A. GRCh37 (hg19) VCF-style: chr11-70858206-G-A.
Other names: short protein forms T56M.
Identifiers: ClinVar variation 3778060 (VCV003778060.7).